The following is an entry in ClinVar:

NM_001943.5(DSG2):c.2591A>G (p.Asn864Ser)

Genes: DSG2 (desmoglein 2; plus strand), DSG2-AS1 (DSG2 antisense RNA 1; minus strand). Cytogenetic location: 18q12.1.
Variant type: single nucleotide variant.
Coding change: c.2591A>G on transcript NM_001943.5 (MANE Select); coding-DNA position 2591, A replaced by G.
Protein change: p.Asn864Ser; replaces asparagine 864 with serine.
Molecular consequence: missense variant.
Genome position (GRCh38, 1-based): chr18:31,545,977, A>G. VCF-style: chr18-31545977-A-G. GRCh37 (hg19) VCF-style: chr18-29125940-A-G.
Other names: short protein forms N864S.
Identifiers: ClinVar variation 3637552 (VCV003637552.2).

ClinVar aggregate classification (germline): Uncertain significance (1 of 4 stars; one submission).

Conditions:
Arrhythmogenic right ventricular dysplasia 10. Also called: Arrhythmogenic Right Ventricular Dysplasia/Cardiomyopathy10; Arrhythmogenic right ventricular dysplasia/cardiomyopathy, type 10; ARRHYTHMOGENIC RIGHT VENTRICULAR DYSPLASIA, FAMILIAL, 10. Identifiers: MedGen C1857777, MONDO:0012434, OMIM 610193.

Submission:

Labcorp Genetics (formerly Invitae), Labcorp
Classification: Uncertain significance for Arrhythmogenic right ventricular dysplasia 10. Last evaluated: 2024-06-30. Review status: criteria provided, single submitter. Criteria: Invitae Variant Classification Sherloc (09022015). Collection method: clinical testing. Allele origin: germline.
Comment: This sequence change replaces asparagine, which is neutral and polar, with serine, which is neutral and polar, at codon 864 of the DSG2 protein (p.Asn864Ser). This variant is not present in population databases (gnomAD no frequency). This variant has not been reported in the literature in individuals affected with DSG2-related conditions. Advanced modeling of protein sequence and biophysical properties (such as structural, functional, and spatial information, amino acid conservation, physicochemical variation, residue mobility, and thermodynamic stability) performed at Invitae indicates that this missense variant is not expected to disrupt DSG2 protein function with a negative predictive value of 95%. In summary, the available evidence is currently insufficient to determine the role of this variant in disease. Therefore, it has been classified as a Variant of Uncertain Significance.